The following is an entry in ClinVar:

ClinVar aggregate classification (germline): Likely pathogenic (1 of 4 stars; one submission).

Conditions:
VPS13A-related neurodegenerative disease. Also called: ACANTHOCYTOSIS WITH NEUROLOGIC DISORDER; VPS13A Disease; LEVINE-CRITCHLEY SYNDROME; Choreoacanthocytosis; Chorea-acanthocytosis; Choreaacanthocytosis. Identifiers: Orphanet 2388, MedGen C0393576, MONDO:0008695, OMIM 200150.

Submission:

Natera, Inc.
Classification: Likely pathogenic for Choreaacanthocytosis. Last evaluated: 2025-07-02. Review status: criteria provided, single submitter. Criteria: Natera Variant Classification Schema (03/2026). Collection method: clinical testing. Allele origin: germline.
Comment: The c.6296G>A variant in VPS13A is a nonsense variant predicted to introduce a stop codon at amino acid 2099. This variant is expected to result in nonsense mediated decay, truncation, or a dysfunctional protein product. This variant is rare in the general population with a frequency below the threshold expected for the associated phenotype(s). Given the available evidence, this variant is classified as Likely Pathogenic.

NM_033305.3(VPS13A):c.6296G>A (p.Trp2099Ter)

Gene: VPS13A (vacuolar protein sorting 13 homolog A; plus strand). Cytogenetic location: 9q21.2.
Variant type: single nucleotide variant.
Coding change: c.6296G>A on transcript NM_033305.3 (MANE Select); coding-DNA position 6296, G replaced by A.
Protein change: p.Trp2099Ter; replaces tryptophan 2099 with a stop codon.
Molecular consequence: nonsense.
Genome position (GRCh38, 1-based): chr9:77,337,455, G>A. VCF-style: chr9-77337455-G-A. GRCh37 (hg19) VCF-style: chr9-79952371-G-A.
Other names: c.6179G>A, p.Trp2060Ter (NM_001018037.2); c.6296G>A, p.Trp2099Ter (NM_001018038.3, NM_015186.4); short protein forms W2060*, W2099*.
Identifiers: ClinVar variation 4816411 (VCV004816411.2).